The following is an entry in ClinVar:

NM_001122955.4(BSCL2):c.1222G>C (p.Glu408Gln)

Genes: BSCL2 (BSCL2 lipid droplet biogenesis associated, seipin; minus strand), HNRNPUL2-BSCL2 (HNRNPUL2-BSCL2 readthrough (NMD candidate); minus strand). Cytogenetic location: 11q12.3.
Variant type: single nucleotide variant.
Coding change: c.1222G>C on transcript NM_001122955.4 (MANE Select); coding-DNA position 1222, G replaced by C.
Protein change: p.Glu408Gln; replaces glutamic acid 408 with glutamine.
Molecular consequence: missense variant. On other transcripts: non-coding transcript variant (1), 3 prime UTR variant (1).
Genome position (GRCh38, 1-based): chr11:62,690,624, C>G on the plus strand (G>C on the coding strand, the complement: BSCL2 is on the minus strand). VCF-style: chr11-62690624-C-G. GRCh37 (hg19) VCF-style: chr11-62458096-C-G.
Other names: c.*24G>C (NM_001130702.2); c.1228G>C, p.Glu410Gln (NM_001386027.1); c.1222G>C, p.Glu408Gln (NM_001386028.1); c.1030G>C, p.Glu344Gln (NM_032667.6); short protein forms E344Q, E410Q, E408Q.
Identifiers: ClinVar variation 3729863 (VCV003729863.2).

ClinVar aggregate classification (germline): Uncertain significance (1 of 4 stars; one submission).

Conditions:
Charcot-Marie-Tooth disease type 2. Also called: Charcot-Marie-Tooth type 2. Identifiers: Orphanet 64746, MedGen C0270914, MONDO:0018993.

Submission:

Labcorp Genetics (formerly Invitae), Labcorp
Classification: Uncertain significance for Charcot-Marie-Tooth disease type 2. Last evaluated: 2024-03-13. Review status: criteria provided, single submitter. Criteria: Invitae Variant Classification Sherloc (09022015). Collection method: clinical testing. Allele origin: germline.
Comment: This sequence change replaces glutamic acid, which is acidic and polar, with glutamine, which is neutral and polar, at codon 344 of the BSCL2 protein (p.Glu344Gln). This variant is not present in population databases (gnomAD no frequency). This variant has not been reported in the literature in individuals affected with BSCL2-related conditions. An algorithm developed to predict the effect of missense changes on protein structure and function (PolyPhen-2) suggests that this variant is likely to be disruptive. In summary, the available evidence is currently insufficient to determine the role of this variant in disease. Therefore, it has been classified as a Variant of Uncertain Significance.